The following is an entry in ClinVar:

NM_001287491.2(TET3):c.1228C>T (p.Pro410Ser)

Gene: TET3 (tet methylcytosine dioxygenase 3; plus strand). Cytogenetic location: 2p13.1.
Variant type: single nucleotide variant.
Coding change: c.1228C>T on transcript NM_001287491.2 (MANE Select); coding-DNA position 1228, C replaced by T.
Protein change: p.Pro410Ser; replaces proline 410 with serine.
Molecular consequence: missense variant.
Genome position (GRCh38, 1-based): chr2:74,047,145, C>T. VCF-style: chr2-74047145-C-T. GRCh37 (hg19) VCF-style: chr2-74274272-C-T.
Other names: c.949C>T, p.Pro317Ser (NM_001366022.1); short protein forms P317S, P410S.
Identifiers: ClinVar variation 3364453 (VCV003364453.1).

ClinVar aggregate classification (germline): Uncertain significance (1 of 4 stars; one submission).

Submission:

GeneDx
Classification: Uncertain significance. Last evaluated: 2023-11-19. Review status: criteria provided, single submitter. Criteria: GeneDx Variant Classification Process June 2021. Collection method: clinical testing. Allele origin: germline. Affected: yes.
Comment: Not observed at significant frequency in large population cohorts (gnomAD); In silico analysis supports that this missense variant does not alter protein structure/function; Has not been previously published as pathogenic or benign to our knowledge